The following is an entry in ClinVar:

ClinVar aggregate classification (germline): Pathogenic (1 of 4 stars; one submission).

Conditions:
Microcephaly, normal intelligence and immunodeficiency (NBS). Also called: SEEMANOVA SYNDROME II; Immunodeficiency, microcephaly with normal intelligence; IMMUNODEFICIENCY, MICROCEPHALY, AND CHROMOSOMAL INSTABILITY; Ataxia telangiectasia variant V1; BERLIN BREAKAGE SYNDROME; Nijmegen breakage syndrome. Identifiers: Orphanet 647, MedGen C0398791, MONDO:0009623, OMIM 251260.

Submission:

Labcorp Genetics (formerly Invitae), Labcorp
Classification: Pathogenic for Microcephaly, normal intelligence and immunodeficiency. Last evaluated: 2021-10-06. Review status: criteria provided, single submitter. Criteria: Invitae Variant Classification Sherloc (09022015). Collection method: clinical testing. Allele origin: germline.
Comment: For these reasons, this variant has been classified as Pathogenic. Loss-of-function variants in NBN are known to be pathogenic (PMID: 9590180, 16415040). This variant has not been reported in the literature in individuals with NBN-related conditions. This variant is not present in population databases (ExAC no frequency). This sequence change creates a premature translational stop signal (p.Ser397*) in the NBN gene. It is expected to result in an absent or disrupted protein product.

Literature cited by the submitters: PubMed 9590180; PubMed 16415040.

NM_002485.5(NBN):c.1190C>G (p.Ser397Ter)

Gene: NBN (nibrin; minus strand). Cytogenetic location: 8q21.3.
Variant type: single nucleotide variant.
Coding change: c.1190C>G on transcript NM_002485.5 (MANE Select); coding-DNA position 1190, C replaced by G.
Protein change: p.Ser397Ter; replaces serine 397 with a stop codon.
Molecular consequence: nonsense.
Genome position (GRCh38, 1-based): chr8:89,955,490, G>C on the plus strand (C>G on the coding strand, the complement: NBN is on the minus strand). VCF-style: chr8-89955490-G-C. GRCh37 (hg19) VCF-style: chr8-90967718-G-C.
Other names: c.944C>G, p.Ser315Ter (NM_001024688.3); short protein forms S315*, S397*.
Identifiers: ClinVar variation 1075360 (VCV001075360.7), dbSNP rs1554559308, ClinGen allele CA371656391.